The following is an entry in ClinVar:

ClinVar aggregate classification (germline): Uncertain significance (1 of 4 stars; one submission).

Allele frequency attached by ClinVar (database versions not stated): TOPMed below 0.00001; gnomAD 0.00001.
gnomAD v4.1: 7 of 1,613,756 alleles (0.00043%); highest among the groups gnomAD compares: Non-Finnish European, 0.00059%; no homozygotes.

Submission:

Labcorp Genetics (formerly Invitae), Labcorp
Classification: Uncertain significance. Last evaluated: 2023-07-25. Review status: criteria provided, single submitter. Criteria: Invitae Variant Classification Sherloc (09022015). Collection method: clinical testing. Allele origin: germline.
Comment: This variant has not been reported in the literature in individuals affected with VCAN-related conditions. This variant is not present in population databases (gnomAD no frequency). This sequence change replaces glycine, which is neutral and non-polar, with valine, which is neutral and non-polar, at codon 2989 of the VCAN protein (p.Gly2989Val). Algorithms developed to predict the effect of missense changes on protein structure and function output the following: SIFT: "Not Available"; PolyPhen-2: "Benign"; Align-GVGD: "Not Available". The valine amino acid residue is found in multiple mammalian species, which suggests that this missense change does not adversely affect protein function. In summary, the available evidence is currently insufficient to determine the role of this variant in disease. Therefore, it has been classified as a Variant of Uncertain Significance.

NM_004385.5(VCAN):c.8966G>T (p.Gly2989Val)

Genes: VCAN (versican; plus strand), VCAN-AS1 (VCAN antisense RNA 1; minus strand). Cytogenetic location: 5q14.3.
Variant type: single nucleotide variant.
Coding change: c.8966G>T on transcript NM_004385.5 (MANE Select); coding-DNA position 8966, G replaced by T.
Protein change: p.Gly2989Val; replaces glycine 2989 with valine.
Molecular consequence: missense variant. On other transcripts: intron variant (2).
Genome position (GRCh38, 1-based): chr5:83,541,969, G>T. VCF-style: chr5-83541969-G-T. GRCh37 (hg19) VCF-style: chr5-82837788-G-T.
Other names: c.6005G>T, p.Gly2002Val (NM_001164097.2); c.4004-3568G>T (NM_001164098.2); c.1043-3568G>T (NM_001126336.3); short protein forms G2002V, G2989V.
Identifiers: ClinVar variation 2880799 (VCV002880799.3), dbSNP rs909209640, ClinGen allele CA360294557.